The following is an entry in ClinVar:

ClinVar aggregate classification (germline): Uncertain significance (1 of 4 stars; one submission).

Conditions:
Werner syndrome (WRN). Identifiers: Orphanet 902, MedGen C0043119, MONDO:0010196, OMIM 277700.

Allele frequency attached by ClinVar (database versions not stated): gnomAD 0.00001.

Submission:

Labcorp Genetics (formerly Invitae), Labcorp
Classification: Uncertain significance for Werner syndrome. Last evaluated: 2025-12-15. Review status: criteria provided, single submitter. Criteria: Invitae Variant Classification Sherloc (09022015). Collection method: clinical testing. Allele origin: germline.
Comment: This sequence change replaces methionine, which is neutral and non-polar, with isoleucine, which is neutral and non-polar, at codon 126 of the WRN protein (p.Met126Ile). This variant is not present in population databases (gnomAD no frequency). This variant has not been reported in the literature in individuals affected with WRN-related conditions. ClinVar contains an entry for this variant (Variation ID: 663601). An algorithm developed to predict the effect of missense changes on protein structure and function (PolyPhen-2) suggests that this variant is likely to be tolerated. In summary, the available evidence is currently insufficient to determine the role of this variant in disease. Therefore, it has been classified as a Variant of Uncertain Significance.

NM_000553.6(WRN):c.378G>A (p.Met126Ile)

Gene: WRN (WRN RecQ like helicase; plus strand). Cytogenetic location: 8p12.
Variant type: single nucleotide variant.
Coding change: c.378G>A on transcript NM_000553.6 (MANE Select); coding-DNA position 378, G replaced by A.
Protein change: p.Met126Ile; replaces methionine 126 with isoleucine.
Molecular consequence: missense variant.
Genome position (GRCh38, 1-based): chr8:31,064,937, G>A. VCF-style: chr8-31064937-G-A. GRCh37 (hg19) VCF-style: chr8-30922453-G-A.
Other names: short protein forms M126I.
Identifiers: ClinVar variation 663601 (VCV000663601.4), dbSNP rs1585409053, ClinGen allele CA370914619.
Genomic context (GRCh38, chr8:31,064,937, plus strand): 5'-TTGACAGAACTTATGGAAATAACAAGAAAATGTTACAGTTTTTCCCCAGGGATTAAAAAT[G>A]TTGCTTGAAAATAAAGCAGTTAAAAAGGCAGGTGTAGGAATTGAAGGAGATCAGTGGAAA-3'
Protein context (NP_000544.2, residues 116-136): SMSVFPQGLK[Met126Ile]LLENKAVKKA